The following is an entry in ClinVar:

ClinVar aggregate classification (germline): Uncertain significance (1 of 4 stars; one submission).

Submission:

CeGaT Center for Human Genetics Tuebingen
Classification: Uncertain significance. Last evaluated: 2024-12-01. Review status: criteria provided, single submitter. Criteria: CeGaT Center For Human Genetics Tuebingen Variant Classification Criteria Version 2. Collection method: clinical testing. Allele origin: germline. Affected: yes. Observed: 1 variant allele.
Comment: RALGAPB: PM2, PP3

NM_020336.4(RALGAPB):c.3500A>T (p.Tyr1167Phe)

Gene: RALGAPB (Ral GTPase activating protein non-catalytic subunit beta; plus strand). Cytogenetic location: 20q11.23.
Variant type: single nucleotide variant.
Coding change: c.3500A>T on transcript NM_020336.4 (MANE Select); coding-DNA position 3500, A replaced by T.
Protein change: p.Tyr1167Phe; replaces tyrosine 1167 with phenylalanine.
Molecular consequence: missense variant.
Genome position (GRCh38, 1-based): chr20:38,558,422, A>T. VCF-style: chr20-38558422-A-T. GRCh37 (hg19) VCF-style: chr20-37187065-A-T.
Other names: c.3500A>T, p.Tyr1167Phe (NM_001282917.2); c.3488A>T, p.Tyr1163Phe (NM_001282918.2); short protein forms Y1163F, Y1167F.
Identifiers: ClinVar variation 3772009 (VCV003772009.13).
Genomic context (GRCh38, chr20:38,558,422, plus strand): 5'-ATGACATTGGGTATCTGGATCTCTTGCCATGTCGTCCTTTTGACACAGTTTTTATTTTCT[A>T]TATGAAGCCAGGTCAGAAAACGAACCAAGAGGTAAGAGTTACGAATTTTTTTTTTTTGGT-3'
Protein context (NP_065069.1, residues 1157-1177): CRPFDTVFIF[Tyr1167Phe]MKPGQKTNQE